The following is an entry in ClinVar:

NM_006946.4(SPTBN2):c.483+51C>T

Gene: SPTBN2 (spectrin beta, non-erythrocytic 2; minus strand). Cytogenetic location: 11q13.2.
Variant type: single nucleotide variant.
Coding change: c.483+51C>T on transcript NM_006946.4 (MANE Select); 51 bases into the intron after coding-DNA position 483, C replaced by T.
Molecular consequence: intron variant.
Genome position (GRCh38, 1-based): chr11:66,715,171, G>A on the plus strand (C>T on the coding strand, the complement: SPTBN2 is on the minus strand). VCF-style: chr11-66715171-G-A. GRCh37 (hg19) VCF-style: chr11-66482642-G-A.
Identifiers: ClinVar variation 1698251 (VCV001698251.2), dbSNP rs115917700, ClinGen allele CA6129663.

ClinVar aggregate classification (germline): Likely benign (1 of 4 stars; one submission).

Allele frequency attached by ClinVar (database versions not stated): ExAC 0.00276; 1000 Genomes Project 0.00759; 1000 Genomes Project 30x 0.00765; gnomAD 0.00897 and 0.00980; ESP Exome Variant Server 0.01047; TOPMed 0.01067.

Submission:

GeneDx
Classification: Likely benign. Last evaluated: 2022-01-19. Review status: criteria provided, single submitter. Criteria: GeneDx Variant Classification Process June 2021. Collection method: clinical testing. Allele origin: germline. Affected: yes.
Comment: See Variant Classification Assertion Criteria.